The following is an entry in ClinVar:

NM_001244008.2(KIF1A):c.4598T>A (p.Leu1533His)

Gene: KIF1A (kinesin family member 1A; minus strand). Cytogenetic location: 2q37.3.
Variant type: single nucleotide variant.
Coding change: c.4598T>A on transcript NM_001244008.2 (MANE Select); coding-DNA position 4598, T replaced by A.
Protein change: p.Leu1533His; replaces leucine 1533 with histidine.
Molecular consequence: missense variant.
Genome position (GRCh38, 1-based): chr2:240,722,523, A>T on the plus strand (T>A on the coding strand, the complement: KIF1A is on the minus strand). VCF-style: chr2-240722523-A-T. GRCh37 (hg19) VCF-style: chr2-241661940-A-T.
Other names: c.4322T>A, p.Leu1441His (NM_001320705.2, NM_001379649.1); c.4349T>A, p.Leu1450His (NM_001330289.2); c.4397T>A, p.Leu1466His (NM_001330290.2, NM_001379648.1); c.4673T>A, p.Leu1558His (NM_001379631.1); c.4574T>A, p.Leu1525His (NM_001379632.1); c.4571T>A, p.Leu1524His (NM_001379633.1, NM_001379645.1); c.4424T>A, p.Leu1475His (NM_001379634.1); c.4421T>A, p.Leu1474His (NM_001379635.1, NM_001379646.1); and 7 more; short protein forms L1431H, L1440H, L1449H, L1457H, L1466H, L1533H, L1450H, L1474H.
Identifiers: ClinVar variation 1937919 (VCV001937919.5), dbSNP rs938216953, ClinGen allele CA68137584.
Genomic context (GRCh38, chr2:240,722,523, plus strand): 5'-GCCAGCTCCCGCTGCCTCTCGTTGGGAGCCTCCAGGGGTGATGGGCGGCCCTCAGCCGAG[A>T]GCGGGGAGGAGGCGCTGGAGGAGCCATGGGACTCAGAGTCCTCGCTGAAGGCCGGGGACA-3'
Protein context (NP_001230937.1, residues 1523-1543): SHGSSSASSP[Leu1533His]SAEGRPSPLE

ClinVar aggregate classification (germline): Uncertain significance (1 of 4 stars; one submission).

Conditions:
Hereditary spastic paraplegia 30. Identifiers: Orphanet 101010, MedGen C5235139, MONDO:0012476.
Neuropathy, hereditary sensory, type 2C. Also called: Hereditary sensory and autonomic neuropathy type IIC; KIF1A-Related HSAN2 (HSAN2C). Identifiers: Orphanet 970, MedGen C3280168, MONDO:0013634, OMIM 614213.
Intellectual disability, autosomal dominant 9 (NESCAVS). Also called: NESCAV SYNDROME; KIF1A-Related Neurodevelopmental Disorder. Identifiers: Orphanet 662367, MedGen C5393830, MONDO:0013656, OMIM 614255.

gnomAD v4.1: 39 of 1,548,202 alleles (0.0025%); highest among the groups gnomAD compares: Non-Finnish European, 0.0033%; no homozygotes.

Submission:

Labcorp Genetics (formerly Invitae), Labcorp
Classification: Uncertain significance for Hereditary spastic paraplegia 30; Neuropathy, hereditary sensory, type 2C; Intellectual disability, autosomal dominant 9. Last evaluated: 2022-07-11. Review status: criteria provided, single submitter. Criteria: Invitae Variant Classification Sherloc (09022015). Collection method: clinical testing. Allele origin: germline.
Comment: This variant has not been reported in the literature in individuals affected with KIF1A-related conditions. This variant is not present in population databases (gnomAD no frequency). This sequence change replaces leucine, which is neutral and non-polar, with histidine, which is basic and polar, at codon 1432 of the KIF1A protein (p.Leu1432His). Advanced modeling of protein sequence and biophysical properties (such as structural, functional, and spatial information, amino acid conservation, physicochemical variation, residue mobility, and thermodynamic stability) performed at Invitae indicates that this missense variant is not expected to disrupt KIF1A protein function. In summary, the available evidence is currently insufficient to determine the role of this variant in disease. Therefore, it has been classified as a Variant of Uncertain Significance.